The following is an entry in ClinVar:

ClinVar aggregate classification (germline): Uncertain significance. Review status: criteria provided, multiple submitters, no conflicts (2 of 4 stars). 2 submissions from 2 submitters: Uncertain significance (2). Last evaluated 2025-12-27.

Conditions:
Mosaic variegated aneuploidy syndrome 2 (MVA2). Identifiers: Orphanet 1052, MedGen C3279843, MONDO:0013582, OMIM 614114.
Inborn genetic diseases. Identifiers: MedGen C0950123, MeSH D030342.

Allele frequency attached by ClinVar (database versions not stated): gnomAD exomes below 0.00001.

Submissions (2):

Ambry Genetics
Classification: Uncertain significance for Inborn genetic diseases. Last evaluated: 2025-12-27. Review status: criteria provided, single submitter. Criteria: Ambry Variant Classification Scheme 2023. Collection method: clinical testing. Allele origin: germline.
Comment: The p.Q485K variant (also known as c.1453C>A), located in coding exon 11 of the CEP57 gene, results from a C to A substitution at nucleotide position 1453. The glutamine at codon 485 is replaced by lysine, an amino acid with similar properties. This amino acid position is conserved. In addition, this alteration is predicted to be tolerated by in silico analysis. Based on the available evidence, the clinical significance of this variant remains unclear.

Labcorp Genetics (formerly Invitae), Labcorp
Classification: Uncertain significance for Mosaic variegated aneuploidy syndrome 2. Last evaluated: 2022-09-19. Review status: criteria provided, single submitter. Criteria: Invitae Variant Classification Sherloc (09022015). Collection method: clinical testing. Allele origin: germline.
Comment: In summary, the available evidence is currently insufficient to determine the role of this variant in disease. Therefore, it has been classified as a Variant of Uncertain Significance. Advanced modeling of protein sequence and biophysical properties (such as structural, functional, and spatial information, amino acid conservation, physicochemical variation, residue mobility, and thermodynamic stability) performed at Invitae indicates that this missense variant is not expected to disrupt CEP57 protein function. ClinVar contains an entry for this variant (Variation ID: 1010256). This variant has not been reported in the literature in individuals affected with CEP57-related conditions. This variant is not present in population databases (gnomAD no frequency). This sequence change replaces glutamine, which is neutral and polar, with lysine, which is basic and polar, at codon 485 of the CEP57 protein (p.Gln485Lys).

NM_014679.5(CEP57):c.1453C>A (p.Gln485Lys)

Gene: CEP57 (centrosomal protein 57; plus strand). Cytogenetic location: 11q21.
Variant type: single nucleotide variant.
Coding change: c.1453C>A on transcript NM_014679.5 (MANE Select); coding-DNA position 1453, C replaced by A.
Protein change: p.Gln485Lys; replaces glutamine 485 with lysine.
Molecular consequence: missense variant.
Genome position (GRCh38, 1-based): chr11:95,831,206, C>A. VCF-style: chr11-95831206-C-A. GRCh37 (hg19) VCF-style: chr11-95564370-C-A.
Other names: c.1453C>A (NM_014679.4); c.1426C>A, p.Gln476Lys (NM_001243776.2); c.1375C>A, p.Gln459Lys (NM_001243777.2); c.1372C>A, p.Gln458Lys (NM_001363604.2); short protein forms Q458K, Q459K, Q476K, Q485K.
Identifiers: ClinVar variation 1010256 (VCV001010256.9), dbSNP rs1862993704, ClinGen allele CA382410401.